The following is an entry in ClinVar:

NM_004415.4(DSP):c.3404A>C (p.Gln1135Pro)

Gene: DSP (desmoplakin; plus strand). Cytogenetic location: 6p24.3.
Variant type: single nucleotide variant.
Coding change: c.3404A>C on transcript NM_004415.4 (MANE Select); coding-DNA position 3404, A replaced by C.
Protein change: p.Gln1135Pro; replaces glutamine 1135 with proline.
Molecular consequence: missense variant.
Genome position (GRCh38, 1-based): chr6:7,579,594, A>C. VCF-style: chr6-7579594-A-C. GRCh37 (hg19) VCF-style: chr6-7579827-A-C.
Other names: c.3404A>C, p.Gln1135Pro (NM_001008844.3, NM_001319034.2); short protein forms Q1135P.
Identifiers: ClinVar variation 1517377 (VCV001517377.6), dbSNP rs754250788, ClinGen allele CA038046.

ClinVar aggregate classification (germline): Uncertain significance (1 of 4 stars; one submission).

Conditions:
Arrhythmogenic right ventricular dysplasia 8 (ARVD8). Also called: Arrhythmogenic Right Ventricular Dysplasia/Cardiomyopathy 8; ARRHYTHMOGENIC RIGHT VENTRICULAR DYSPLASIA, FAMILIAL, 8; ARRHYTHMOGENIC RIGHT VENTRICULAR CARDIOMYOPATHY 8. Identifiers: MedGen C1843896, MONDO:0011831, OMIM 607450.
Arrhythmogenic cardiomyopathy with wooly hair and keratoderma. Also called: Arrhythmogenic cardiomyopathy with woolly hair and keratoderma; Carvajal syndrome; PALMOPLANTAR KERATODERMA WITH LEFT VENTRICULAR CARDIOMYOPATHY AND WOOLLY HAIR; Dilated cardiomyopathy with woolly hair and keratoderma. Identifiers: Orphanet 65282, MedGen C1854063, MONDO:0011581, OMIM 605676.

Allele frequency attached by ClinVar (database versions not stated): gnomAD exomes below 0.00001; ExAC 0.00001.
gnomAD v4.1: 3 of 1,614,020 alleles (0.00019%); highest among the groups gnomAD compares: Non-Finnish European, 0.00025%; no homozygotes.

Submission:

Labcorp Genetics (formerly Invitae), Labcorp
Classification: Uncertain significance for Arrhythmogenic cardiomyopathy with wooly hair and keratoderma; Arrhythmogenic right ventricular dysplasia 8. Last evaluated: 2021-11-12. Review status: criteria provided, single submitter. Criteria: Invitae Variant Classification Sherloc (09022015). Collection method: clinical testing. Allele origin: germline.
Comment: This variant is present in population databases (rs754250788, gnomAD 0.0009%). In summary, the available evidence is currently insufficient to determine the role of this variant in disease. Therefore, it has been classified as a Variant of Uncertain Significance. Algorithms developed to predict the effect of missense changes on protein structure and function are either unavailable or do not agree on the potential impact of this missense change (SIFT: "Deleterious"; PolyPhen-2: "Probably Damaging"; Align-GVGD: "Class C0"). This variant has not been reported in the literature in individuals affected with DSP-related conditions. This sequence change replaces glutamine, which is neutral and polar, with proline, which is neutral and non-polar, at codon 1135 of the DSP protein (p.Gln1135Pro).